The following is an entry in ClinVar:

ClinVar aggregate classification (germline): Pathogenic/Likely pathogenic. Review status: criteria provided, multiple submitters, no conflicts (2 of 4 stars). 3 submissions from 3 submitters: Pathogenic (2); Likely pathogenic (1). Last evaluated 2026-05-10.

Conditions:
GFM1-related disorder. Also called: GFM1-related condition.
Hepatoencephalopathy due to combined oxidative phosphorylation defect type 1. Also called: HEPATOENCEPHALOPATHY, EARLY FATAL PROGRESSIVE. Identifiers: Orphanet 137681, MedGen C1836797, MONDO:0012191, OMIM 609060.

Allele frequency attached by ClinVar (database versions not stated): gnomAD exomes 0.00001.

Submissions (3):

PreventionGenetics, part of Exact Sciences
Classification: Pathogenic for GFM1-related condition. Last evaluated: 2026-05-10. Review status: criteria provided, single submitter. Criteria: ACMG Guidelines, 2015. Collection method: clinical testing. Allele origin: germline.
Comment: The GFM1 c.401_404dupCCCT variant is predicted to result in a frameshift and premature protein termination (p.Arg136Profs*40). o our knowledge, this variant has not been reported in the literature. This variant is reported in 0.0026% of alleles in individuals of European (Non-Finnish) descent in gnomAD. Frameshift variants in GFM1 are expected to be pathogenic. This variant is interpreted as pathogenic.

Baylor Genetics
Classification: Likely pathogenic for Hepatoencephalopathy due to combined oxidative phosphorylation defect type 1. Last evaluated: 2024-03-02. Review status: criteria provided, single submitter. Criteria: ACMG Guidelines, 2015. Collection method: clinical testing. Allele origin: unknown.

Labcorp Genetics (formerly Invitae), Labcorp
Classification: Pathogenic. Last evaluated: 2023-09-29. Review status: criteria provided, single submitter. Criteria: Invitae Variant Classification Sherloc (09022015). Collection method: clinical testing. Allele origin: germline.
Comment: For these reasons, this variant has been classified as Pathogenic. ClinVar contains an entry for this variant (Variation ID: 646742). This variant has not been reported in the literature in individuals affected with GFM1-related conditions. This variant is present in population databases (no rsID available, gnomAD 0.003%). This sequence change creates a premature translational stop signal (p.Arg136Profs*40) in the GFM1 gene. It is expected to result in an absent or disrupted protein product. Loss-of-function variants in GFM1 are known to be pathogenic (PMID: 16632485, 17160893).

Literature cited by the submitters: PubMed 16632485 (cited by Labcorp Genetics (formerly Invitae), Labcorp); PubMed 17160893 (cited by Labcorp Genetics (formerly Invitae), Labcorp).

NM_024996.7(GFM1):c.401_404dup (p.Arg136fs)

Gene: GFM1 (G elongation factor mitochondrial 1; plus strand). Cytogenetic location: 3q25.32.
Variant type: Duplication.
Coding change: c.401_404dup on transcript NM_024996.7 (MANE Select); coding-DNA positions 401 to 404, 4 bases duplicated (CCCT; older notation c.401_404dupCCCT).
Protein change: p.Arg136fs; shifts the reading frame from arginine 136.
Molecular consequence: frameshift variant. On other transcripts: non-coding transcript variant (3), intron variant (4).
Genome position (GRCh38, 1-based): chr3:158,646,776-158,646,779, CCCT duplicated. VCF-style (leftmost placement, unchanged base first): chr3-158646775-G-GCCCT. GRCh37 (hg19) VCF-style: chr3-158364564-G-GCCCT.
Other names: c.401_404dup, p.Arg136fs (NM_001308164.2, NM_001308166.2, NM_001374355.1 and 1 more transcripts); c.401_404dupCCCT (NM_001308164.1, NM_024996.5); c.176_179dup, p.Arg61fs (NM_001374357.1); c.5+995_5+998dup (NM_001374359.1, NM_001374360.1, NM_001374361.1); c.234+995_234+998dup (NM_001374358.1); short protein forms R136fs, R61fs.
Identifiers: ClinVar variation 646742 (VCV000646742.8), dbSNP rs1174797887, ClinGen allele CA436482191.